The following is an entry in ClinVar:

ClinVar aggregate classification (germline): Uncertain significance (1 of 4 stars; one submission).

Submission:

Labcorp Genetics (formerly Invitae), Labcorp
Classification: Uncertain significance. Last evaluated: 2024-02-26. Review status: criteria provided, single submitter. Criteria: Invitae Variant Classification Sherloc (09022015). Collection method: clinical testing. Allele origin: germline.
Comment: This sequence change falls in intron 19 of the DCHS1 gene. It does not directly change the encoded amino acid sequence of the DCHS1 protein. Information on the frequency of this variant in the gnomAD database is not available, as this variant may be reported differently in the database. This variant has not been reported in the literature in individuals affected with DCHS1-related conditions. ClinVar contains an entry for this variant (Variation ID: 1923732). In summary, the available evidence is currently insufficient to determine the role of this variant in disease. Therefore, it has been classified as a Variant of Uncertain Significance.

NM_003737.4(DCHS1):c.7147-10_7147-9inv

Gene: DCHS1 (dachsous cadherin-related 1; minus strand). Cytogenetic location: 11p15.4.
Variant type: Inversion.
Coding change: c.7147-10_7147-9inv on transcript NM_003737.4 (MANE Select).
Molecular consequence: intron variant.
Genome position: GRCh38 VCF-style: chr11-6624877-TG-CA. GRCh37 (hg19) VCF-style: chr11-6646108-TG-CA.
Identifiers: ClinVar variation 1923732 (VCV001923732.5), ClinGen allele CA2580083993.
Genomic context (GRCh38, chr11:6,624,877, plus strand): 5'-CAGAGACGGAGAGAATGGCACTGCCTGGGGGTGTGTGCTCAAGCAGCATTACCTGAAGTG[TG>CA]AGGAAAAGTGCTTATTGCCAGGCTTCCCATTTGCCCTGCTGTCCATGCAGCCTGTTCTGG-3'